The following is an entry in ClinVar:

NM_018979.4(WNK1):c.482G>A (p.Ser161Asn)

Gene: WNK1 (WNK lysine deficient protein kinase 1; plus strand). Cytogenetic location: 12p13.33.
Variant type: single nucleotide variant.
Coding change: c.482G>A on transcript NM_018979.4 (MANE Select); coding-DNA position 482, G replaced by A.
Protein change: p.Ser161Asn; replaces serine 161 with asparagine.
Molecular consequence: missense variant.
Genome position (GRCh38, 1-based): chr12:754,047, G>A. VCF-style: chr12-754047-G-A. GRCh37 (hg19) VCF-style: chr12-863213-G-A.
Other names: c.482G>A, p.Ser161Asn (NM_001184985.2, NM_014823.3, NM_213655.5); short protein forms S161N.
Identifiers: ClinVar variation 3748990 (VCV003748990.2).
Genomic context (GRCh38, chr12:754,047, plus strand): 5'-CCGCCCCTGGGGAACAGGCCGTCGCGGGCCCTGCCCCCTCGACTGTCCCCAGCAGTACCA[G>A]CAAAGACCGCCCAGTGTCCCAGCCTAGCCTTGTGGGGAGCAAAGAGGAGCCGCCGCCGGC-3'
Protein context (NP_061852.3, residues 151-171): PAPSTVPSST[Ser161Asn]KDRPVSQPSL

ClinVar aggregate classification (germline): Uncertain significance (1 of 4 stars; one submission).

Conditions:
Neuropathy, hereditary sensory and autonomic, type 2A (HSAN2A). Also called: ACROOSTEOLYSIS, GIACCAI TYPE; ACROOSTEOLYSIS, NEUROGENIC; MORVAN DISEASE; NEUROPATHY, CONGENITAL SENSORY; NEUROPATHY, HEREDITARY SENSORY RADICULAR, AUTOSOMAL RECESSIVE; NEUROPATHY, HEREDITARY SENSORY, TYPE IIA. Identifiers: Orphanet 970, MedGen C2752089, MONDO:0024309, OMIM 201300.
Pseudohypoaldosteronism type 2C (PHA2C). Also called: Pseudohypoaldosteronism Type IIC. Identifiers: Orphanet 757, Orphanet 88940, MedGen C1840391, MONDO:0013778, OMIM 614492.

gnomAD v4.1: 8 of 1,597,236 alleles (0.0005%); highest among the groups gnomAD compares: Non-Finnish European, 0.00068%; no homozygotes.

Submission:

Labcorp Genetics (formerly Invitae), Labcorp
Classification: Uncertain significance for Neuropathy, hereditary sensory and autonomic, type 2A; Pseudohypoaldosteronism type 2C. Last evaluated: 2024-04-30. Review status: criteria provided, single submitter. Criteria: Invitae Variant Classification Sherloc (09022015). Collection method: clinical testing. Allele origin: germline.
Comment: This sequence change replaces serine, which is neutral and polar, with asparagine, which is neutral and polar, at codon 161 of the WNK1 protein (p.Ser161Asn). The frequency data for this variant in the population databases is considered unreliable, as metrics indicate poor data quality at this position in the gnomAD database. This variant has not been reported in the literature in individuals affected with WNK1-related conditions. Advanced modeling of protein sequence and biophysical properties (such as structural, functional, and spatial information, amino acid conservation, physicochemical variation, residue mobility, and thermodynamic stability) performed at Invitae indicates that this missense variant is not expected to disrupt WNK1 protein function with a negative predictive value of 95%. In summary, the available evidence is currently insufficient to determine the role of this variant in disease. Therefore, it has been classified as a Variant of Uncertain Significance.